The following is an entry in ClinVar:

NM_030957.4(ADAMTS10):c.343C>G (p.Gln115Glu)

Gene: ADAMTS10 (ADAM metallopeptidase with thrombospondin type 1 motif 10; minus strand). Cytogenetic location: 19p13.2.
Variant type: single nucleotide variant.
Coding change: c.343C>G on transcript NM_030957.4 (MANE Select); coding-DNA position 343, C replaced by G.
Protein change: p.Gln115Glu; replaces glutamine 115 with glutamic acid.
Molecular consequence: missense variant.
Genome position (GRCh38, 1-based): chr19:8,605,104, G>C on the plus strand (C>G on the coding strand, the complement: ADAMTS10 is on the minus strand). VCF-style: chr19-8605104-G-C. GRCh37 (hg19) VCF-style: chr19-8669989-G-C.
Other names: short protein forms Q115E.
Identifiers: ClinVar variation 4701563 (VCV004701563.1).

ClinVar aggregate classification (germline): Uncertain significance (1 of 4 stars; one submission).

gnomAD v4.1: 11 of 1,613,058 alleles (0.00068%); highest among the groups gnomAD compares: Non-Finnish European, 0.00093%; no homozygotes.

Submission:

Labcorp Genetics (formerly Invitae), Labcorp
Classification: Uncertain significance. Last evaluated: 2025-12-20. Review status: criteria provided, single submitter. Criteria: Invitae Variant Classification Sherloc (09022015). Collection method: clinical testing. Allele origin: germline.
Comment: This sequence change replaces glutamine, which is neutral and polar, with glutamic acid, which is acidic and polar, at codon 115 of the ADAMTS10 protein (p.Gln115Glu). This variant is present in population databases (no rsID available, gnomAD 0.0009%). This variant has not been reported in the literature in individuals affected with ADAMTS10-related conditions. An algorithm developed to predict the effect of missense changes on protein structure and function (PolyPhen-2) suggests that this variant is likely to be tolerated. In summary, the available evidence is currently insufficient to determine the role of this variant in disease. Therefore, it has been classified as a Variant of Uncertain Significance.